The following is an entry in ClinVar:

NM_001111.5(ADAR):c.656G>C (p.Gly219Ala)

Gene: ADAR (adenosine deaminase RNA specific; minus strand). Cytogenetic location: 1q21.3.
Variant type: single nucleotide variant.
Coding change: c.656G>C on transcript NM_001111.5 (MANE Select); coding-DNA position 656, G replaced by C.
Protein change: p.Gly219Ala; replaces glycine 219 with alanine.
Molecular consequence: missense variant. On other transcripts: 5 prime UTR variant (6).
Genome position (GRCh38, 1-based): chr1:154,601,986, C>G on the plus strand (G>C on the coding strand, the complement: ADAR is on the minus strand). VCF-style: chr1-154601986-C-G. GRCh37 (hg19) VCF-style: chr1-154574462-C-G.
Other names: c.-230G>C (NM_001025107.3, NM_001193495.2, NM_001365046.1 and 3 more transcripts); c.683G>C, p.Gly228Ala (NM_001365045.1); c.656G>C, p.Gly219Ala (NM_015840.4, NM_015841.4, LRG_1212t1); short protein forms G228A, G219A.
Identifiers: ClinVar variation 655486 (VCV000655486.11), dbSNP rs139471471, ClinGen allele CA1131659.

ClinVar aggregate classification (germline): Conflicting classifications of pathogenicity. Review status: criteria provided, conflicting classifications (1 of 4 stars). 4 submissions from 4 submitters: Uncertain significance (3); Likely benign (1). Last evaluated 2026-01-26.

Conditions:
Aicardi-Goutieres syndrome 6 (AGS6). Identifiers: Orphanet 51, MedGen C3539013, MONDO:0014007, OMIM 615010.
Inborn genetic diseases. Identifiers: MedGen C0950123, MeSH D030342.
Symmetrical dyschromatosis of extremities (DSH). Also called: RETICULATE ACROPIGMENTATION OF DOHI; SYMMETRIC DYSCHROMATOSIS OF THE EXTREMITIES; DYSCHROMATOSIS SYMMETRICA HEREDITARIA 1; Dyschromatosis symmetrica hereditaria. Identifiers: Orphanet 41, MedGen C0406775, MONDO:0007483, OMIM 127400.

Allele frequency attached by ClinVar (database versions not stated): ExAC 0.00014; ESP Exome Variant Server 0.00038; gnomAD exomes 0.00010; 1000 Genomes Project 30x 0.00031; 1000 Genomes Project 0.00040; TOPMed 0.00040.
gnomAD v4.1: 82 of 1,614,110 alleles (0.0051%); highest among the groups gnomAD compares: African/African-American, 0.097%; 1 homozygote.

Submissions (4):

Labcorp Genetics (formerly Invitae), Labcorp
Classification: Uncertain significance for Aicardi-Goutieres syndrome 6; Symmetrical dyschromatosis of extremities. Last evaluated: 2026-01-26. Review status: criteria provided, single submitter. Criteria: Invitae Variant Classification Sherloc (09022015). Collection method: clinical testing. Allele origin: germline.
Comment: This sequence change replaces glycine, which is neutral and non-polar, with alanine, which is neutral and non-polar, at codon 219 of the ADAR protein (p.Gly219Ala). This variant is present in population databases (rs139471471, gnomAD 0.1%). This variant has not been reported in the literature in individuals affected with ADAR-related conditions. ClinVar contains an entry for this variant (Variation ID: 655486). An algorithm developed to predict the effect of missense changes on protein structure and function outputs the following: PolyPhen-2: "Not Available". The alanine amino acid residue is found in multiple mammalian species, which suggests that this missense change does not adversely affect protein function. In summary, the available evidence is currently insufficient to determine the role of this variant in disease. Therefore, it has been classified as a Variant of Uncertain Significance.

Ambry Genetics
Classification: Likely benign for Inborn genetic diseases. Last evaluated: 2025-08-03. Review status: criteria provided, single submitter. Criteria: Ambry Variant Classification Scheme 2023. Collection method: clinical testing. Allele origin: germline.

Genome-Nilou Lab
Classification: Uncertain significance for Aicardi-Goutieres syndrome 6. Last evaluated: 2023-04-11. Review status: criteria provided, single submitter. Criteria: ACMG Guidelines, 2015. Collection method: clinical testing. Allele origin: germline. Affected: no.

Laboratorio de Genetica e Diagnostico Molecular, Hospital Israelita Albert Einstein
Classification: Uncertain significance for Aicardi-Goutieres syndrome 6. Last evaluated: 2022-11-19. Review status: criteria provided, single submitter. Criteria: ACMG Guidelines, 2015. Collection method: clinical testing. Allele origin: germline. Affected: yes.
Comment: ACMG classification criteria: BP4 supporting